The following is an entry in ClinVar:

ClinVar aggregate classification (germline): Uncertain significance. Review status: criteria provided, multiple submitters, no conflicts (2 of 4 stars). 2 submissions from 2 submitters: Uncertain significance (2). Last evaluated 2025-06-14.

Conditions:
Inborn genetic diseases. Identifiers: MedGen C0950123, MeSH D030342.

Submissions (2):

Ambry Genetics
Classification: Uncertain significance for Inborn genetic diseases. Last evaluated: 2025-06-14. Review status: criteria provided, single submitter. Criteria: Ambry Variant Classification Scheme 2023. Collection method: clinical testing. Allele origin: germline.
Comment: The p.R248H variant (also known as c.743G>A), located in coding exon 5 of the ELANE gene, results from a G to A substitution at nucleotide position 743. The arginine at codon 248 is replaced by histidine, an amino acid with highly similar properties. This amino acid position is conserved. In addition, this alteration is predicted to be tolerated by in silico analysis. Based on the available evidence, the clinical significance of this variant remains unclear.

CeGaT Center for Human Genetics Tuebingen
Classification: Uncertain significance. Last evaluated: 2025-03-01. Review status: criteria provided, single submitter. Criteria: CeGaT Center For Human Genetics Tuebingen Variant Classification Criteria Version 2. Collection method: clinical testing. Allele origin: germline. Affected: yes. Observed: 1 variant allele.

NM_001972.4(ELANE):c.743G>A (p.Arg248His)

Gene: ELANE (elastase, neutrophil expressed; plus strand). Cytogenetic location: 19p13.3.
Variant type: single nucleotide variant.
Coding change: c.743G>A on transcript NM_001972.4 (MANE Select); coding-DNA position 743, G replaced by A.
Protein change: p.Arg248His; replaces arginine 248 with histidine.
Molecular consequence: missense variant.
Genome position (GRCh38, 1-based): chr19:856,103, G>A. VCF-style: chr19-856103-G-A. GRCh37 (hg19) VCF-style: chr19-856103-G-A.
Other names: short protein forms R248H.
Identifiers: ClinVar variation 3778432 (VCV003778432.8).